The following is an entry in ClinVar:

ClinVar aggregate classification (germline): Conflicting classifications of pathogenicity. Review status: criteria provided, conflicting classifications (1 of 4 stars). 2 submissions from 2 submitters: Uncertain significance (1); Likely benign (1). Last evaluated 2022-11-23.

Conditions:
Mitochondrial DNA depletion syndrome 13. Also called: FBXL4-Related Encephalomyopathic Mitochondrial DNA Depletion Syndrome; Mitochondrial DNA depletion syndrome 13 (encephalomyopathic type). Identifiers: Orphanet 369897, MedGen C3809592, MONDO:0014198, OMIM 615471.

Allele frequency attached by ClinVar (database versions not stated): gnomAD exomes below 0.00001; ExAC 0.00001; gnomAD 0.00001; TOPMed 0.00002.
gnomAD v4.1: 3 of 1,614,032 alleles (0.00019%); highest among the groups gnomAD compares: Non-Finnish European, 0.00017%; no homozygotes.

Submissions (2):

Labcorp Genetics (formerly Invitae), Labcorp
Classification: Likely benign. Last evaluated: 2022-11-23. Review status: criteria provided, single submitter. Criteria: Invitae Variant Classification Sherloc (09022015). Collection method: clinical testing. Allele origin: germline.

Wong Mito Lab, Molecular and Human Genetics, Baylor College of Medicine
Classification: Uncertain significance for Mitochondrial DNA depletion syndrome 13. Last evaluated: 2017-08-10. Review status: criteria provided, single submitter. Criteria: ACMG Guidelines, 2015. Collection method: reference population. Allele origin: germline.
Comment: The NM_012160.4:c.135C>T (NP_036292.2:p.Ser45=) [GRCH38: NC_000006.12:g.98926854G>A] variant in FBXL4 gene is interpretated to be a Uncertain Significance - Conflicting Evidence based on ACMG guidelines (PMID: 25741868). This variant meets one or more of the following evidence codes reported in the ACMG-guideline. PM2:This variant is absent in key population databases. BP4:Computational evidence/predictors indicate no impact on the FBXL4 structure, function, or protein-protein interaction. BP7:The variant is silent with non predicted splice impact. Based on this evidence code ClinGen Pathogenicity Calculator (PMID:28081714) suggested that the variant is Uncertain Significance - Conflicting Evidence.

NM_001278716.2(FBXL4):c.135C>T (p.Ser45=)

Gene: FBXL4 (F-box and leucine rich repeat protein 4; minus strand). Cytogenetic location: 6q16.2.
Variant type: single nucleotide variant.
Coding change: c.135C>T on transcript NM_001278716.2 (MANE Select); coding-DNA position 135, C replaced by T.
Protein change: p.Ser45=; no amino-acid change (serine 45 retained).
Molecular consequence: synonymous variant. On other transcripts: non-coding transcript variant (2).
Genome position (GRCh38, 1-based): chr6:98,926,854, G>A on the plus strand (C>T on the coding strand, the complement: FBXL4 is on the minus strand). VCF-style: chr6-98926854-G-A. GRCh37 (hg19) VCF-style: chr6-99374730-G-A.
Other names: c.135C>T, p.Ser45= (NM_012160.5).
Identifiers: ClinVar variation 437543 (VCV000437543.8), dbSNP rs764057679, ClinGen allele CA3933729.